The following is an entry in ClinVar:

NM_001205293.3(CACNA1E):c.3262+6_3262+7del

Gene: CACNA1E (calcium voltage-gated channel subunit alpha1 E; plus strand). Cytogenetic location: 1q25.3.
Variant type: Microsatellite.
Coding change: c.3262+6_3262+7del on transcript NM_001205293.3 (MANE Select); bases 6 to 7 of the intron after coding-DNA position 3262, 2 bases deleted (AG; older notation c.3262+6_3262+7delAG).
Molecular consequence: intron variant.
Genome position (GRCh38, 1-based): chr1:181,733,756-181,733,757, AG deleted; deleting any 2 consecutive bases within chr1:181,733,753-181,733,757 gives the same sequence; the c. name uses the placement nearest the transcript's 3' end. VCF-style (leftmost placement, unchanged base first): chr1-181733752-TGA-T. GRCh37 (hg19) VCF-style: chr1-181702888-TGA-T.
Other names: c.3262+6_3262+7del (NM_000721.4); c.3205+6_3205+7del (NM_001205294.2).
Identifiers: ClinVar variation 3678607 (VCV003678607.2).
Genomic context (GRCh38, chr1:181,733,752, plus strand): 5'-CAGCGTCACCGTCGCCATCCCCGACGTGGACCCCTTGGTGGACTCAACCGTGGTGCACAG[TGA>T]GAGCACAGTCCCTGTTCCCCTCCACCCCCAACTCCTATCCCATCTGGGGCTGGGGCCATG-3'

ClinVar aggregate classification (germline): Uncertain significance (1 of 4 stars; one submission).

Submission:

Labcorp Genetics (formerly Invitae), Labcorp
Classification: Uncertain significance. Last evaluated: 2024-04-16. Review status: criteria provided, single submitter. Criteria: Invitae Variant Classification Sherloc (09022015). Collection method: clinical testing. Allele origin: germline.
Comment: This sequence change falls in intron 21 of the CACNA1E gene. It does not directly change the encoded amino acid sequence of the CACNA1E protein. It affects a nucleotide within the consensus splice site. This variant is not present in population databases (gnomAD no frequency). This variant has not been reported in the literature in individuals affected with CACNA1E-related conditions. Variants that disrupt the consensus splice site are a relatively common cause of aberrant splicing (PMID: 17576681, 9536098). Algorithms developed to predict the effect of sequence changes on RNA splicing suggest that this variant is not likely to affect RNA splicing. In summary, the available evidence is currently insufficient to determine the role of this variant in disease. Therefore, it has been classified as a Variant of Uncertain Significance.

Literature cited by the submitters: PubMed 17576681; PubMed 9536098.